The following is an entry in ClinVar:

ClinVar aggregate classification (germline): Uncertain significance (1 of 4 stars; one submission).

Conditions:
Colorectal cancer, hereditary nonpolyposis, type 7. Identifiers: Orphanet 144, MedGen C1858380, MONDO:0013725, OMIM 614385.

Submission:

Labcorp Genetics (formerly Invitae), Labcorp
Classification: Uncertain significance for Colorectal cancer, hereditary nonpolyposis, type 7. Last evaluated: 2025-11-03. Review status: criteria provided, single submitter. Criteria: Invitae Variant Classification Sherloc (09022015). Collection method: clinical testing. Allele origin: germline.
Comment: This sequence change replaces aspartic acid, which is acidic and polar, with glycine, which is neutral and non-polar, at codon 794 of the MLH3 protein (p.Asp794Gly). This variant is not present in population databases (gnomAD no frequency). This variant has not been reported in the literature in individuals affected with MLH3-related conditions. ClinVar contains an entry for this variant (Variation ID: 2829261). An algorithm developed to predict the effect of missense changes on protein structure and function outputs the following: PolyPhen-2: "Benign". The glycine amino acid residue is found in multiple mammalian species, which suggests that this missense change does not adversely affect protein function. In summary, the available evidence is currently insufficient to determine the role of this variant in disease. Therefore, it has been classified as a Variant of Uncertain Significance.

NM_001040108.2(MLH3):c.2381A>G (p.Asp794Gly)

Gene: MLH3 (mutL homolog 3; minus strand). Cytogenetic location: 14q24.3.
Variant type: single nucleotide variant.
Coding change: c.2381A>G on transcript NM_001040108.2 (MANE Select); coding-DNA position 2381, A replaced by G.
Protein change: p.Asp794Gly; replaces aspartic acid 794 with glycine.
Molecular consequence: missense variant.
Genome position (GRCh38, 1-based): chr14:75,047,275, T>C on the plus strand (A>G on the coding strand, the complement: MLH3 is on the minus strand). VCF-style: chr14-75047275-T-C. GRCh37 (hg19) VCF-style: chr14-75513978-T-C.
Other names: c.2381A>G, p.Asp794Gly (NM_014381.3); short protein forms D794G.
Identifiers: ClinVar variation 2829261 (VCV002829261.3), dbSNP rs2503271576, ClinGen allele CA390440822.